The following is an entry in ClinVar:

ClinVar aggregate classification (germline): Uncertain significance (1 of 4 stars; one submission).

Conditions:
Retinitis pigmentosa 71 (RP71). Identifiers: Orphanet 791, MedGen C4225342, MONDO:0014618, OMIM 616394.
Short-rib thoracic dysplasia 10 with or without polydactyly (SRTD10). Identifiers: Orphanet 474, MedGen C3810175, MONDO:0014284, OMIM 615630.

Allele frequency attached by ClinVar (database versions not stated): gnomAD exomes below 0.00001.
gnomAD v4.1: 2 of 1,614,134 alleles (0.00012%); highest among the groups gnomAD compares: South Asian, 0.0011%; no homozygotes.

Submission:

Labcorp Genetics (formerly Invitae), Labcorp
Classification: Uncertain significance for Retinitis pigmentosa 71; Short-rib thoracic dysplasia 10 with or without polydactyly. Last evaluated: 2022-06-01. Review status: criteria provided, single submitter. Criteria: Invitae Variant Classification Sherloc (09022015). Collection method: clinical testing. Allele origin: germline.
Comment: This sequence change replaces tyrosine, which is neutral and polar, with cysteine, which is neutral and slightly polar, at codon 773 of the IFT172 protein (p.Tyr773Cys). In summary, the available evidence is currently insufficient to determine the role of this variant in disease. Therefore, it has been classified as a Variant of Uncertain Significance. Algorithms developed to predict the effect of missense changes on protein structure and function are either unavailable or do not agree on the potential impact of this missense change (SIFT: "Deleterious"; PolyPhen-2: "Probably Damaging"; Align-GVGD: "Class C0"). This variant has not been reported in the literature in individuals affected with IFT172-related conditions. This variant is present in population databases (no rsID available, gnomAD 0.003%).

NM_015662.3(IFT172):c.2318A>G (p.Tyr773Cys)

Gene: IFT172 (intraflagellar transport 172; minus strand). Cytogenetic location: 2p23.3.
Variant type: single nucleotide variant.
Coding change: c.2318A>G on transcript NM_015662.3 (MANE Select); coding-DNA position 2318, A replaced by G.
Protein change: p.Tyr773Cys; replaces tyrosine 773 with cysteine.
Molecular consequence: missense variant.
Genome position (GRCh38, 1-based): chr2:27,461,393, T>C on the plus strand (A>G on the coding strand, the complement: IFT172 is on the minus strand). VCF-style: chr2-27461393-T-C. GRCh37 (hg19) VCF-style: chr2-27684260-T-C.
Other names: c.2252A>G, p.Tyr751Cys (NM_001410739.1); short protein forms Y751C, Y773C.
Identifiers: ClinVar variation 2133119 (VCV002133119.4), dbSNP rs1249852160, ClinGen allele CA346384372.